The following is an entry in ClinVar:

NM_000112.4(SLC26A2):c.1336A>T (p.Lys446Ter)

Gene: SLC26A2 (solute carrier family 26 member 2; plus strand). Cytogenetic location: 5q32.
Variant type: single nucleotide variant.
Coding change: c.1336A>T on transcript NM_000112.4 (MANE Select); coding-DNA position 1336, A replaced by T.
Protein change: p.Lys446Ter; replaces lysine 446 with a stop codon.
Molecular consequence: nonsense.
Genome position (GRCh38, 1-based): chr5:149,980,929, A>T. VCF-style: chr5-149980929-A-T. GRCh37 (hg19) VCF-style: chr5-149360492-A-T.
Other names: short protein forms K446*.
Identifiers: ClinVar variation 2678889 (VCV002678889.6), dbSNP rs1326271684, ClinGen allele CA361707662.

ClinVar aggregate classification (germline): Pathogenic/Likely pathogenic. Review status: criteria provided, multiple submitters, no conflicts (2 of 4 stars). 4 submissions from 4 submitters: Pathogenic (1); Likely pathogenic (3). Last evaluated 2025-11-16.

Conditions:
Achondrogenesis, type IB (ACG1B). Also called: Achondrogenesis Type 1B. Identifiers: Orphanet 932, Orphanet 93298, MedGen C0265274, MONDO:0010966, OMIM 600972.
Diastrophic dysplasia (DTD). Also called: Diastrophic dwarfism. Identifiers: Orphanet 628, MedGen C0220726, MONDO:0009107, OMIM 222600.
Multiple epiphyseal dysplasia type 4 (EDM4). Also called: Multiple Epiphyseal Dysplasia, Recessive; MULTIPLE EPIPHYSEAL DYSPLASIA WITH BILAYERED PATELLAE; MULTIPLE EPIPHYSEAL DYSPLASIA WITH CLUBFOOT; MULTIPLE EPIPHYSEAL DYSPLASIA, AUTOSOMAL RECESSIVE; SLC26A2-Related Multiple Epiphyseal Dysplasia. Identifiers: Orphanet 93307, MedGen C1847593, MONDO:0009189, OMIM 226900.
Atelosteogenesis type II (AO2). Also called: NEONATAL OSSEOUS DYSPLASIA I; Neonatal osseous dysplasia 1; SLC26A2-Related Atelosteogenesis. Identifiers: Orphanet 56304, MedGen C1850554, MONDO:0009727, OMIM 256050.

Allele frequency attached by ClinVar (database versions not stated): gnomAD exomes below 0.00001; TOPMed below 0.00001; gnomAD 0.00001.
gnomAD v4.1: 4 of 1,614,056 alleles (0.00025%); highest among the groups gnomAD compares: Non-Finnish European, 0.00034%; no homozygotes.

Submissions (4):

Natera, Inc.
Classification: Likely pathogenic for Achondrogenesis type IB. Last evaluated: 2025-11-16. Review status: criteria provided, single submitter. Criteria: Natera Variant Classification Schema (03/2026). Collection method: clinical testing. Allele origin: germline.
Comment: The c.1336A>T variant in SLC26A2 is a nonsense variant predicted to introduce a stop codon at amino acid 446. This variant is expected to result in nonsense mediated decay, truncation, or a dysfunctional protein product. This variant is rare in the general population with a frequency below the threshold expected for the associated phenotype(s). This variant has been observed in one or more individuals affected with the associated recessive disease, as either homozygous or compound heterozygous with a second variant (PMID: 41153384). Given the available evidence, this variant is classified as Likely Pathogenic.

Fulgent Genetics
Classification: Likely pathogenic for Diastrophic dysplasia; Multiple epiphyseal dysplasia type 4; Atelosteogenesis type II; Achondrogenesis, type IB. Last evaluated: 2024-02-13. Review status: criteria provided, single submitter. Criteria: ACMG Guidelines, 2015. Collection method: clinical testing. Allele origin: germline.

Labcorp Genetics (formerly Invitae), Labcorp
Classification: Pathogenic for Atelosteogenesis type II; Multiple epiphyseal dysplasia type 4; Achondrogenesis, type IB; Diastrophic dysplasia. Last evaluated: 2023-10-07. Review status: criteria provided, single submitter. Criteria: Invitae Variant Classification Sherloc (09022015). Collection method: clinical testing. Allele origin: germline.
Comment: This sequence change creates a premature translational stop signal (p.Lys446*) in the SLC26A2 gene. While this is not anticipated to result in nonsense mediated decay, it is expected to disrupt the last 294 amino acid(s) of the SLC26A2 protein. This variant is present in population databases (no rsID available, gnomAD 0.007%). This variant has not been reported in the literature in individuals affected with SLC26A2-related conditions. This variant disrupts a region of the SLC26A2 protein in which other variant(s) (p.Ala715Val) have been determined to be pathogenic (PMID: 11448940, 15294877, 21077204). This suggests that this is a clinically significant region of the protein, and that variants that disrupt it are likely to be disease-causing. For these reasons, this variant has been classified as Pathogenic.

Baylor Genetics
Classification: Likely pathogenic for Achondrogenesis, type IB. Last evaluated: 2023-03-22. Review status: criteria provided, single submitter. Criteria: ACMG Guidelines, 2015. Collection method: clinical testing. Allele origin: unknown.

Literature cited by the submitters: PubMed 41153384 (cited by Natera, Inc.); PubMed 11448940 (cited by Labcorp Genetics (formerly Invitae), Labcorp); PubMed 15294877 (cited by Labcorp Genetics (formerly Invitae), Labcorp); PubMed 21077204 (cited by Labcorp Genetics (formerly Invitae), Labcorp).